The following is an entry in ClinVar:

NM_000116.5(TAFAZZIN):c.281G>A (p.Arg94His)

Gene: TAFAZZIN (tafazzin, phospholipid-lysophospholipid transacylase; plus strand). Cytogenetic location: Xq28.
Variant type: single nucleotide variant.
Coding change: c.281G>A on transcript NM_000116.5 (MANE Select); coding-DNA position 281, G replaced by A.
Protein change: p.Arg94His; replaces arginine 94 with histidine.
Molecular consequence: missense variant. On other transcripts: non-coding transcript variant (1).
Genome position (GRCh38, 1-based): chrX:154,413,249, G>A. VCF-style: chrX-154413249-G-A. GRCh37 (hg19) VCF-style: chrX-153641586-G-A.
Other names: c.281G>A (NM_000116.3); c.335G>A, p.Arg112His (NM_001303465.2); c.281G>A, p.Arg94His (NM_181311.4, NM_181312.4, NM_181313.4); short protein forms R112H, R94H.
Identifiers: ClinVar variation 653322 (VCV000653322.52), dbSNP rs1060500044, ClinGen allele CA415180774.

ClinVar aggregate classification (germline): Pathogenic/Likely pathogenic. Review status: criteria provided, multiple submitters, no conflicts (2 of 4 stars). 6 submissions from 6 submitters: Pathogenic (3); Likely pathogenic (1). 2 of the submissions do not count toward it. Last evaluated 2025-11-27.

Conditions:
3-Methylglutaconic aciduria type 2 (BTHS). Also called: Barth syndrome; CARDIOSKELETAL MYOPATHY WITH NEUTROPENIA AND ABNORMAL MITOCHONDRIA. Identifiers: Orphanet 111, MedGen C0574083, MONDO:0010543, OMIM 302060.

Allele frequency attached by ClinVar (database versions not stated): gnomAD exomes below 0.00001; TOPMed 0.00001.
gnomAD v4.1: 1 of 1,212,015 alleles (0.000083%); highest among the groups gnomAD compares: Non-Finnish European, 0.00011%; no homozygotes.

Submissions (6):

Labcorp Genetics (formerly Invitae), Labcorp
Classification: Pathogenic for 3-Methylglutaconic aciduria type 2. Last evaluated: 2025-11-27. Review status: criteria provided, single submitter. Criteria: Invitae Variant Classification Sherloc (09022015). Collection method: clinical testing. Allele origin: germline.
Comment: This sequence change replaces arginine, which is basic and polar, with histidine, which is basic and polar, at codon 94 of the TAZ protein (p.Arg94His). This variant is not present in population databases (gnomAD no frequency). This missense change has been observed in individual(s) with clinical features of TAZ-related conditions (PMID: 16548007, 23656970, 26724946). In at least one individual the variant was observed to be de novo. ClinVar contains an entry for this variant (Variation ID: 653322). An algorithm developed to predict the effect of missense changes on protein structure and function (PolyPhen-2) suggests that this variant is likely to be disruptive. This variant disrupts the p.Arg94 amino acid residue in TAZ. Other variant(s) that disrupt this residue have been determined to be pathogenic (PMID: 9345098, 12032589, 20812380, 26845103, 28123175). This suggests that this residue is clinically significant, and that variants that disrupt this residue are likely to be disease-causing. For these reasons, this variant has been classified as Pathogenic.

GeneDx
Classification: Pathogenic. Last evaluated: 2024-04-15. Review status: criteria provided, single submitter. Criteria: GeneDx Variant Classification Process June 2021. Collection method: clinical testing. Allele origin: germline. Affected: yes.
Comment: Not observed at significant frequency in large population cohorts (gnomAD); In silico analysis supports that this missense variant has a deleterious effect on protein structure/function; This variant is associated with the following publications: (PMID: 23606313, 25941633, 23656970, 25112388, 34302381, 21300850, 16548007, 26724946)

Molecular Diagnostics Lab, Nemours Children's Health, Delaware
Classification: Likely pathogenic for 3-Methylglutaconic aciduria type 2. Last evaluated: 2020-08-18. Review status: criteria provided, single submitter. Criteria: ACMG Guidelines, 2015. Collection method: clinical testing. Allele origin: unknown. Inheritance: X-linked inheritance. Affected: yes. Observed: 2 hemizygotes.

CeGaT Center for Human Genetics Tuebingen
Classification: Pathogenic. Last evaluated: 2019-04-01. Review status: criteria provided, single submitter. Criteria: CeGaT Center For Human Genetics Tuebingen Variant Classification Criteria Version 2. Collection method: clinical testing. Allele origin: germline. Affected: yes. Observed: 1 variant allele.

Clinical Genetics DNA and cytogenetics Diagnostics Lab, Erasmus MC, Erasmus Medical Center
Classification: Pathogenic. Review status: no assertion criteria provided. Collection method: clinical testing. Allele origin: germline. Affected: yes. Study: VKGL Data-share Consensus. Not counted in ClinVar's aggregate classification.

Joint Genome Diagnostic Labs from Nijmegen and Maastricht, Radboudumc and MUMC+
Classification: Pathogenic. Review status: no assertion criteria provided. Collection method: clinical testing. Allele origin: germline. Affected: yes. Study: VKGL Data-share Consensus. Not counted in ClinVar's aggregate classification.

Literature cited by the submitters: PubMed 16548007 (cited by Labcorp Genetics (formerly Invitae), Labcorp); PubMed 23656970 (cited by Labcorp Genetics (formerly Invitae), Labcorp); PubMed 26724946 (cited by Labcorp Genetics (formerly Invitae), Labcorp); PubMed 9345098 (cited by Labcorp Genetics (formerly Invitae), Labcorp); PubMed 12032589 (cited by Labcorp Genetics (formerly Invitae), Labcorp); PubMed 20812380 (cited by Labcorp Genetics (formerly Invitae), Labcorp); PubMed 26845103 (cited by Labcorp Genetics (formerly Invitae), Labcorp); PubMed 28123175 (cited by Labcorp Genetics (formerly Invitae), Labcorp).